The following is an entry in ClinVar:

ClinVar aggregate classification (germline): Conflicting classifications of pathogenicity. Review status: criteria provided, conflicting classifications (1 of 4 stars). 12 submissions from 12 submitters: Uncertain significance (10); Likely benign (1). 1 of the submissions does not count toward it. Last evaluated 2026-04-20.

Conditions:
Familial adenomatous polyposis 1 (FAP1). Also called: FAMILIAL ADENOMATOUS POLYPOSIS 1, ATTENUATED; POLYPOSIS, ADENOMATOUS INTESTINAL. Identifiers: MedGen C2713442, MONDO:0021056, OMIM 175100. Disease mechanism: loss of function.
Hereditary cancer-predisposing syndrome. Also called: Tumor predisposition; Hereditary neoplastic syndrome; Neoplastic Syndromes, Hereditary; Hereditary Cancer Syndrome. Identifiers: Orphanet 140162, MedGen C0027672, MeSH D009386, MONDO:0015356.
Classic or attenuated familial adenomatous polyposis. Identifiers: MedGen CN372698, MONDO:0021057.

Allele frequency attached by ClinVar (database versions not stated): gnomAD exomes 0.00001 and 0.00002; gnomAD 0.00002 and 0.00003; TOPMed 0.00002.
gnomAD v4.1: 24 of 1,614,012 alleles (0.0015%); highest among the groups gnomAD compares: Admixed American, 0.0033%; no homozygotes.

Submissions (12):

Women's Health and Genetics/Laboratory Corporation of America, LabCorp
Classification: Uncertain significance. Last evaluated: 2026-04-20. Review status: criteria provided, single submitter. Criteria: LabCorp Variant Classification Summary - May 2015. Collection method: clinical testing. Allele origin: germline.
Comment: Variant summary: APC c.8071A>G (p.Asn2691Asp) results in a conservative amino acid change in the encoded protein sequence. Algorithms developed to predict the effect of missense changes on protein structure and function all suggest that this variant is likely to be tolerated. The variant allele was found at a frequency of 1.6e-05 in 251320 control chromosomes. The available data on variant occurrences in the general population are insufficient to allow any conclusion about variant significance. To our knowledge, no occurrence of c.8071A>G in individuals affected with APC-related conditions and no experimental evidence demonstrating its impact on protein function have been reported. ClinVar contains an entry for this variant (Variation ID: 411383). Based on the evidence outlined above, the variant was classified as uncertain significance.

Labcorp Genetics (formerly Invitae), Labcorp
Classification: Uncertain significance for Familial adenomatous polyposis 1. Last evaluated: 2026-01-26. Review status: criteria provided, single submitter. Criteria: Invitae Variant Classification Sherloc (09022015). Collection method: clinical testing. Allele origin: germline.
Comment: This sequence change replaces asparagine, which is neutral and polar, with aspartic acid, which is acidic and polar, at codon 2691 of the APC protein (p.Asn2691Asp). This variant is present in population databases (no rsID available, gnomAD 0.003%). This variant has not been reported in the literature in individuals affected with APC-related conditions. ClinVar contains an entry for this variant (Variation ID: 411383). Invitae Evidence Modeling of protein sequence and biophysical properties (such as structural, functional, and spatial information, amino acid conservation, physicochemical variation, residue mobility, and thermodynamic stability) indicates that this missense variant is not expected to disrupt APC protein function with a negative predictive value of 95%. In summary, the available evidence is currently insufficient to determine the role of this variant in disease. Therefore, it has been classified as a Variant of Uncertain Significance.

Ambry Genetics
Classification: Uncertain significance for Hereditary cancer-predisposing syndrome. Last evaluated: 2025-06-27. Review status: criteria provided, single submitter. Criteria: Ambry Variant Classification Scheme 2023. Collection method: clinical testing. Allele origin: germline.
Comment: The p.N2691D variant (also known as c.8071A>G), located in coding exon 15 of the APC gene, results from an A to G substitution at nucleotide position 8071. The asparagine at codon 2691 is replaced by aspartic acid, an amino acid with highly similar properties. This amino acid position is not well conserved in available vertebrate species. In addition, in silico predictors for this gene do not accurately predict pathogenicity. Missense alterations in APC are not a common cause of disease (Spier I et al. Genet Med. 2024 Feb;26(2):100992). Based on the available evidence, the clinical significance of this variant remains unclear.

Color Diagnostics, LLC DBA Color Health
Classification: Likely benign for Hereditary cancer-predisposing syndrome. Last evaluated: 2025-03-11. Review status: criteria provided, single submitter. Criteria: ACMG Guidelines, 2015. Collection method: clinical testing. Allele origin: germline.

Quest Diagnostics Nichols Institute San Juan Capistrano
Classification: Uncertain significance. Last evaluated: 2024-10-16. Review status: criteria provided, single submitter. Criteria: Quest Diagnostics criteria. Collection method: clinical testing. Allele origin: unknown.
Comment: The APC c.8071A>G (p.Asn2691Asp) variant has not been reported in individuals with APC-related conditions in the published literature. The frequency of this variant in the general population, 0.000026 (3/113620 chromosomes (Genome Aggregation Database)), is uninformative in the assessment of its pathogenicity. Analysis of this variant using bioinformatics tools for the prediction of the effect of amino acid changes on protein structure and function yielded predictions that this variant is benign. Based on the available information, we are unable to determine the clinical significance of this variant.

All of Us Research Program, National Institutes of Health
Classification: Uncertain significance for Classic or attenuated familial adenomatous polyposis. Last evaluated: 2024-07-10. Review status: criteria provided, single submitter. Criteria: ACMG Guidelines, 2015. Collection method: clinical testing. Allele origin: germline. Inheritance: Autosomal dominant inheritance. Observed: 7 variant alleles, 7 heterozygotes.
Comment: This missense variant replaces asparagine with aspartic acid at codon 2691 of the APC protein. Computational prediction suggests that this variant may not impact protein structure and function (internally defined REVEL score threshold <= 0.5, PMID: 27666373). To our knowledge, functional studies have not been reported for this variant. This variant has not been reported in individuals affected with APC-related disorders in the literature. This variant has been identified in 4/251320 chromosomes in the general population by the Genome Aggregation Database (gnomAD). The available evidence is insufficient to determine the role of this variant in disease conclusively. Therefore, this variant is classified as a Variant of Uncertain Significance.

This study involves interpretation of variants in research participants for the purpose of population health screening. Participant phenotype was not available at the time of variant classification. Additional details can be found in publication PMID: 35346344, PMCID: PMC8962531

Baylor Genetics
Classification: Uncertain significance for Familial adenomatous polyposis 1. Last evaluated: 2023-10-16. Review status: criteria provided, single submitter. Criteria: ACMG Guidelines, 2015. Collection method: clinical testing. Allele origin: unknown.

Myriad Genetics, Inc.
Classification: Uncertain significance for Familial adenomatous polyposis 1. Last evaluated: 2023-02-14. Review status: criteria provided, single submitter. Criteria: Myriad Autosomal Dominant, Autosomal Recessive and X-Linked Classification Criteria (2023). Collection method: clinical testing. Allele origin: unknown.
Comment: This variant is classified as a variant of uncertain significance as there is insufficient evidence to determine its impact on protein function and/or cancer risk.

GeneDx
Classification: Uncertain significance. Last evaluated: 2022-10-20. Review status: criteria provided, single submitter. Criteria: GeneDx Variant Classification Process June 2021. Collection method: clinical testing. Allele origin: germline. Affected: yes.
Comment: Not observed at a significant frequency in large population cohorts (gnomAD); In silico analysis supports that this missense variant does not alter protein structure/function; Has not been previously published as pathogenic or benign to our knowledge; This variant is associated with the following publications: (PMID: 18199528)

Institute for Clinical Genetics, University Hospital TU Dresden, University Hospital TU Dresden
Classification: Uncertain significance. Last evaluated: 2021-11-03. Review status: criteria provided, single submitter. Criteria: ACMG Guidelines, 2015. Collection method: clinical testing. Allele origin: germline.

Sema4
Classification: Uncertain significance for Hereditary cancer-predisposing syndrome. Last evaluated: 2021-10-19. Review status: criteria provided, single submitter. Criteria: Sema4 Curation Guidelines. Collection method: curation. Allele origin: germline.
Comment: The APC c.8071A>G (p.N2691D) variant has not been reported in the literature to our knowledge. It was observed in 1/34586 chromosomes of the Latino subpopulation in the large and broad cohorts of the Genome Aggregation Database (PMID: 32461654). The variant has been reported in ClinVar (Variation ID 411383). Functional studies have not been performed, and in silico predictions of the variant's effect on protein function are inconclusive. The evidence is insufficient to meet ACMG/AMP criteria for classifying the variant as benign or pathogenic. Thus, the clinical significance of this variant is currently uncertain.

Counsyl
Classification: Uncertain significance for Familial adenomatous polyposis 1. Last evaluated: 2018-01-10. Review status: no assertion criteria provided. Collection method: clinical testing. Allele origin: unknown. Not counted in ClinVar's aggregate classification.

NM_000038.6(APC):c.8071A>G (p.Asn2691Asp)

Gene: APC (APC regulator of Wnt signaling pathway; plus strand). Cytogenetic location: 5q22.2.
Variant type: single nucleotide variant.
Coding change: c.8071A>G on transcript NM_000038.6 (MANE Select); coding-DNA position 8071, A replaced by G.
Protein change: p.Asn2691Asp; replaces asparagine 2691 with aspartic acid.
Molecular consequence: missense variant.
Genome position (GRCh38, 1-based): chr5:112,843,665, A>G. VCF-style: chr5-112843665-A-G. GRCh37 (hg19) VCF-style: chr5-112179362-A-G.
Other names: c.8071A>G, p.Asn2691Asp (NM_001127510.3, NM_001354895.2); c.8017A>G, p.Asn2673Asp (NM_001127511.3); c.8125A>G, p.Asn2709Asp (NM_001354896.2); c.8101A>G, p.Asn2701Asp (NM_001354897.2); c.7996A>G, p.Asn2666Asp (NM_001354898.2); c.7987A>G, p.Asn2663Asp (NM_001354899.2); c.7948A>G, p.Asn2650Asp (NM_001354900.2); c.7894A>G, p.Asn2632Asp (NM_001354901.2); and 5 more; short protein forms N2673D, N2691D, N2590D, N2600D, N2663D, N2531D, N2701D, N2408D.
Identifiers: ClinVar variation 411383 (VCV000411383.36), dbSNP rs1060503281, ClinGen allele CA16038855.